The following is an entry in ClinVar:

ClinVar aggregate classification (germline): Pathogenic (1 of 4 stars; one submission).

Submission:

Labcorp Genetics (formerly Invitae), Labcorp
Classification: Pathogenic. Last evaluated: 2022-09-02. Review status: criteria provided, single submitter. Criteria: Invitae Variant Classification Sherloc (09022015). Collection method: clinical testing. Allele origin: germline.
Comment: This sequence change creates a premature translational stop signal (p.Arg42Serfs*18) in the MPLKIP gene. It is expected to result in an absent or disrupted protein product. Loss-of-function variants in MPLKIP are known to be pathogenic (PMID: 15645389, 16977596, 25290684). This variant is not present in population databases (gnomAD no frequency). This variant has not been reported in the literature in individuals affected with MPLKIP-related conditions. For these reasons, this variant has been classified as Pathogenic.

Literature cited by the submitters: PubMed 15645389; PubMed 16977596; PubMed 25290684.

NM_138701.4(MPLKIP):c.122dup (p.Arg42fs)

Gene: MPLKIP (M-phase specific PLK1 interacting protein; minus strand). Cytogenetic location: 7p14.1.
Variant type: Duplication.
Coding change: c.122dup on transcript NM_138701.4 (MANE Select); coding-DNA position 122, one base duplicated (C; older notation c.122dupC).
Protein change: p.Arg42fs; shifts the reading frame from arginine 42.
Molecular consequence: frameshift variant.
Genome position (GRCh38, 1-based): chr7:40,134,446, G duplicated on the plus strand (C on the coding strand, the reverse complement: MPLKIP is on the minus strand); the first of 4 consecutive G bases (chr7:40,134,446-40,134,449); duplicating any one gives the same sequence. VCF-style (leftmost placement, unchanged base first): chr7-40134445-A-AG. GRCh37 (hg19) VCF-style: chr7-40174044-A-AG.
Other names: short protein forms R42fs.
Identifiers: ClinVar variation 2024542 (VCV002024542.4), dbSNP rs2484142427, ClinGen allele CA2580077107.